The following is an entry in ClinVar:

NM_017636.4(TRPM4):c.1495_1506del (p.Arg499_Asp502del)

Gene: TRPM4 (transient receptor potential cation channel subfamily M member 4; plus strand). Cytogenetic location: 19q13.33.
Variant type: Deletion.
Coding change: c.1495_1506del on transcript NM_017636.4 (MANE Select); coding-DNA positions 1495 to 1506, 12 bases deleted (CGGCCCCCTGAC).
Protein change: p.Arg499_Asp502del.
Molecular consequence: inframe deletion. On other transcripts: 5 prime UTR variant (1).
Genome position (GRCh38, 1-based): chr19:49,182,809-49,182,820, CGGCCCCCTGAC deleted; deleting any 12 consecutive bases within chr19:49,182,808-49,182,820 gives the same sequence; the c. name uses the placement nearest the transcript's 3' end. VCF-style (leftmost placement, unchanged base first): chr19-49182807-TCCGGCCCCCTGA-T. GRCh37 (hg19) VCF-style: chr19-49686064-TCCGGCCCCCTGA-T.
Other names: c.1495_1506del, p.Arg499_Asp502del (NM_001195227.2); c.1150_1161del, p.Arg384_Asp387del (NM_001321281.2); c.-59_-48del (NM_001321282.2); c.973_984del, p.Arg325_Asp328del (NM_001321283.2); c.433_444del, p.Arg145_Asp148del (NM_001321285.2).
Identifiers: ClinVar variation 2980838 (VCV002980838.4), dbSNP rs749546269, ClinGen allele CA9569209.

ClinVar aggregate classification (germline): Uncertain significance. Review status: criteria provided, multiple submitters, no conflicts (2 of 4 stars). 2 submissions from 2 submitters: Uncertain significance (2). Last evaluated 2024-09-23.

Conditions:
Erythrokeratodermia variabilis et progressiva 6. Identifiers: MedGen C5193144, MONDO:0032801, OMIM 618531.
Progressive familial heart block type IB (PFHB1B). Identifiers: Orphanet 871, MedGen C1970298, MONDO:0011474, OMIM 604559.

Submissions (2):

Institute of Immunology and Genetics Kaiserslautern
Classification: Uncertain significance for Erythrokeratodermia variabilis et progressiva 6. Last evaluated: 2024-09-23. Review status: criteria provided, single submitter. Criteria: ACMG Guidelines, 2015. Collection method: clinical testing. Allele origin: maternal. Affected: yes.
Comment: ACMG Criteria: PM4, PM2_P; Variant was found in heterozygous state.

Labcorp Genetics (formerly Invitae), Labcorp
Classification: Uncertain significance for Progressive familial heart block type IB. Last evaluated: 2022-11-01. Review status: criteria provided, single submitter. Criteria: Invitae Variant Classification Sherloc (09022015). Collection method: clinical testing. Allele origin: germline.
Comment: Experimental studies and prediction algorithms are not available or were not evaluated, and the functional significance of this variant is currently unknown. This variant, c.1495_1506del, results in the deletion of 4 amino acid(s) of the TRPM4 protein (p.Arg499_Asp502del), but otherwise preserves the integrity of the reading frame. This variant is present in population databases (rs749546269, gnomAD 0.04%). This variant has not been reported in the literature in individuals affected with TRPM4-related conditions. In summary, the available evidence is currently insufficient to determine the role of this variant in disease. Therefore, it has been classified as a Variant of Uncertain Significance.